The following is an entry in ClinVar:

ClinVar aggregate classification (germline): Uncertain significance (1 of 4 stars; one submission).

Conditions:
Von Hippel-Lindau syndrome (VHLS). Also called: Von Hippel-Lindau; von Hippel–Lindau syndrome; VHL syndrome. Identifiers: Orphanet 892, MedGen C0019562, MONDO:0008667, OMIM 193300. Disease mechanism: loss of function.
Chuvash polycythemia. Also called: POLYCYTHEMIA, VHL-DEPENDENT. Identifiers: Orphanet 238557, MedGen C1837915, MONDO:0009892, OMIM 263400.

Submission:

Labcorp Genetics (formerly Invitae), Labcorp
Classification: Uncertain significance for Von Hippel-Lindau syndrome; Chuvash polycythemia. Last evaluated: 2021-11-23. Review status: criteria provided, single submitter. Criteria: Invitae Variant Classification Sherloc (09022015). Collection method: clinical testing. Allele origin: germline.
Comment: In summary, the available evidence is currently insufficient to determine the role of this variant in disease. Therefore, it has been classified as a Variant of Uncertain Significance. Experimental studies and prediction algorithms are not available or were not evaluated, and the functional significance of this variant is currently unknown. This variant has not been reported in the literature in individuals affected with VHL-related conditions. This variant is not present in population databases (gnomAD no frequency). This sequence change falls in intron 1 of the VHL gene. It is not expected to change the encoded amino acid sequence of the VHL protein. However, this sequence change falls within a cryptic exon in the VHL gene, known as exon E1’, which is naturally expressed at low levels in several human tissues (PMID: 29891534).

Literature cited by the submitters: PubMed 29891534.

NM_000551.4(VHL):c.340+779G>A

Genes: VHL (von Hippel-Lindau tumor suppressor; plus strand), LOC107303340 (3p25 von Hippel-Lindau tumor suppressor, E3 ubiquitin protein ligase Alu-mediated recombination region; plus strand). Cytogenetic location: 3p25.3.
Variant type: single nucleotide variant.
Coding change: c.340+779G>A on transcript NM_000551.4 (MANE Select); 779 bases into the intron after coding-DNA position 340, G replaced by A.
Molecular consequence: intron variant. On other transcripts: missense variant (1).
Genome position (GRCh38, 1-based): chr3:10,142,966, G>A. VCF-style: chr3-10142966-G-A. GRCh37 (hg19) VCF-style: chr3-10184650-G-A.
Other names: c.544G>A, p.Glu182Lys (NM_001354723.2); c.340+779G>A (NM_198156.3); short protein forms E182K.
Identifiers: ClinVar variation 1469973 (VCV001469973.6), dbSNP rs1696163737, ClinGen allele CA2573136137.
Genomic context (GRCh38, chr3:10,142,966, plus strand): 5'-AAATTGACTTACCTGCCTGCTGGGAGATGGAGGGGTTGCGGTTGTGTGGTTTCAGTTAAG[G>A]AGCACTTCCCGGAGAAGGAAGAGAGCAGGATGGAGTAGGAACTAGCCAACCCTAGGTAAG-3'